The following is an entry in ClinVar:

ClinVar aggregate classification (germline): Uncertain significance. Review status: criteria provided, multiple submitters, no conflicts (2 of 4 stars). 2 submissions from 2 submitters: Uncertain significance (2). Last evaluated 2024-02-24.

Conditions:
Severe combined immunodeficiency due to DNA-PKcs deficiency. Also called: IMMUNODEFICIENCY 26 WITH NEUROLOGIC ABNORMALITIES; Immunodeficiency 26 with or without neurologic abnormalities. Identifiers: Orphanet 317425, MedGen C4014833, MONDO:0014423, OMIM 615966.

Allele frequency attached by ClinVar (database versions not stated): ExAC 0.00002; TOPMed 0.00003; gnomAD 0.00007.
gnomAD v4.1: 13 of 1,613,830 alleles (0.00081%); highest among the groups gnomAD compares: African/African-American, 0.017%; no homozygotes.

Submissions (2):

Labcorp Genetics (formerly Invitae), Labcorp
Classification: Uncertain significance for Severe combined immunodeficiency due to DNA-PKcs deficiency. Last evaluated: 2024-02-24. Review status: criteria provided, single submitter. Criteria: Invitae Variant Classification Sherloc (09022015). Collection method: clinical testing. Allele origin: germline.
Comment: This sequence change replaces asparagine, which is neutral and polar, with aspartic acid, which is acidic and polar, at codon 3697 of the PRKDC protein (p.Asn3697Asp). This variant is present in population databases (rs776870771, gnomAD 0.02%). This variant has not been reported in the literature in individuals affected with PRKDC-related conditions. ClinVar contains an entry for this variant (Variation ID: 2421572). Advanced modeling of protein sequence and biophysical properties (such as structural, functional, and spatial information, amino acid conservation, physicochemical variation, residue mobility, and thermodynamic stability) performed at Invitae indicates that this missense variant is not expected to disrupt PRKDC protein function with a negative predictive value of 80%. In summary, the available evidence is currently insufficient to determine the role of this variant in disease. Therefore, it has been classified as a Variant of Uncertain Significance.

Breakthrough Genomics
Classification: Uncertain significance. Review status: criteria provided, single submitter. Criteria: ACMG Guidelines, 2015. Collection method: not provided. Allele origin: germline. Inheritance: Autosomal recessive inheritance. Affected: yes.

NM_006904.7(PRKDC):c.11089A>G (p.Asn3697Asp)

Gene: PRKDC (protein kinase, DNA-activated, catalytic subunit; minus strand). Cytogenetic location: 8q11.21.
Variant type: single nucleotide variant.
Coding change: c.11089A>G on transcript NM_006904.7 (MANE Select); coding-DNA position 11089, A replaced by G.
Protein change: p.Asn3697Asp; replaces asparagine 3697 with aspartic acid.
Molecular consequence: missense variant.
Genome position (GRCh38, 1-based): chr8:47,785,131, T>C on the plus strand (A>G on the coding strand, the complement: PRKDC is on the minus strand). VCF-style: chr8-47785131-T-C. GRCh37 (hg19) VCF-style: chr8-48697692-T-C.
Other names: c.11089A>G, p.Asn3697Asp (NM_001081640.2); short protein forms N3697D.
Identifiers: ClinVar variation 2421572 (VCV002421572.6), dbSNP rs776870771, ClinGen allele CA4739194.